The following is an entry in ClinVar:

NM_020884.7(MYH7B):c.4854G>A (p.Ala1618=)

Gene: MYH7B (myosin heavy chain 7B; plus strand). Cytogenetic location: 20q11.22.
Variant type: single nucleotide variant.
Coding change: c.4854G>A on transcript NM_020884.7 (MANE Select); coding-DNA position 4854, G replaced by A.
Protein change: p.Ala1618=; no amino-acid change (alanine 1618 retained).
Molecular consequence: synonymous variant.
Genome position (GRCh38, 1-based): chr20:35,000,365, G>A. VCF-style: chr20-35000365-G-A. GRCh37 (hg19) VCF-style: chr20-33588168-G-A.
Identifiers: ClinVar variation 3047739 (VCV003047739.2), dbSNP rs370877741, ClinGen allele CA9828354.
Genomic context (GRCh38, chr20:35,000,365, plus strand): 5'-GCGAGCTGTGGAGTCCCTGCAGGCCTCCCTGGATGCAGAGACACGGGCCCGCAATGAGGC[G>A]CTGCGGCTCAAGAAGAAGATGGAGGGTGACCTCAACGACCTGGAGCTGCAGCTGGGCCAT-3'
Protein context (NP_065935.4, residues 1608-1628): LDAETRARNE[Ala1618=]LRLKKKMEGD

ClinVar aggregate classification (germline): Likely benign (0 of 4 stars; one submission).

Conditions:
MYH7B-related disorder. Also called: MYH7B-related condition.

Allele frequency attached by ClinVar (database versions not stated): gnomAD 0.00003; ESP Exome Variant Server 0.00008.
gnomAD v4.1: 47 of 1,598,830 alleles (0.0029%); highest among the groups gnomAD compares: East Asian, 0.0045%; no homozygotes.

Submission:

PreventionGenetics, part of Exact Sciences
Classification: Likely benign for MYH7B-related condition. Last evaluated: 2019-04-03. Review status: no assertion criteria provided. Collection method: clinical testing. Allele origin: germline.
Comment: This variant is classified as likely benign based on ACMG/AMP sequence variant interpretation guidelines (Richards et al. 2015 PMID: 25741868, with internal and published modifications).